The following is an entry in ClinVar:

NM_006231.4(POLE):c.3647G>A (p.Gly1216Asp)

Gene: POLE (DNA polymerase epsilon, catalytic subunit; minus strand). Cytogenetic location: 12q24.33.
Variant type: single nucleotide variant.
Coding change: c.3647G>A on transcript NM_006231.4 (MANE Select); coding-DNA position 3647, G replaced by A.
Protein change: p.Gly1216Asp; replaces glycine 1216 with aspartic acid.
Molecular consequence: missense variant.
Genome position (GRCh38, 1-based): chr12:132,649,825, C>T on the plus strand (G>A on the coding strand, the complement: POLE is on the minus strand). VCF-style: chr12-132649825-C-T. GRCh37 (hg19) VCF-style: chr12-133226411-C-T.
Other names: c.3647G>A (NM_006231.2); short protein forms G1216D.
Identifiers: ClinVar variation 1515679 (VCV001515679.7), dbSNP rs2138614734, ClinGen allele CA387386793.
Genomic context (GRCh38, chr12:132,649,825, plus strand): 5'-CAAAGAACTCGCTTCCTCTTCACAGTGACAGGGGCTGCTGGGTGAGGCAGCTTTACGAGG[C>T]CGAAGTCCTCCATGTCAGGAGCACTTGGCCTCGGACTGTCTTCTGAGGCCTCGGCCATCG-3'
Protein context (NP_006222.2, residues 1206-1226): RPSAPDMEDF[Gly1216Asp]LVKLPHPAAP

ClinVar aggregate classification (germline): Uncertain significance. Review status: criteria provided, multiple submitters, no conflicts (2 of 4 stars). 2 submissions from 2 submitters: Uncertain significance (2). Last evaluated 2025-10-14.

Conditions:
Hereditary cancer-predisposing syndrome. Also called: Tumor predisposition; Neoplastic Syndromes, Hereditary; Hereditary neoplastic syndrome; Hereditary Cancer Syndrome. Identifiers: Orphanet 140162, MedGen C0027672, MeSH D009386, MONDO:0015356.

Allele frequency attached by ClinVar (database versions not stated): gnomAD exomes below 0.00001.
gnomAD v4.1: 1 of 1,614,138 alleles (0.000062%); highest among the groups gnomAD compares: Non-Finnish European, 0.000085%; no homozygotes.

Submissions (2):

Labcorp Genetics (formerly Invitae), Labcorp
Classification: Uncertain significance. Last evaluated: 2025-10-14. Review status: criteria provided, single submitter. Criteria: Invitae Variant Classification Sherloc (09022015). Collection method: clinical testing. Allele origin: germline.
Comment: This sequence change replaces glycine, which is neutral and non-polar, with aspartic acid, which is acidic and polar, at codon 1216 of the POLE protein (p.Gly1216Asp). This variant is not present in population databases (gnomAD no frequency). This variant has not been reported in the literature in individuals affected with POLE-related conditions. ClinVar contains an entry for this variant (Variation ID: 1515679). Invitae Evidence Modeling of protein sequence and biophysical properties (such as structural, functional, and spatial information, amino acid conservation, physicochemical variation, residue mobility, and thermodynamic stability) indicates that this missense variant is not expected to disrupt POLE protein function with a negative predictive value of 80%. In summary, the available evidence is currently insufficient to determine the role of this variant in disease. Therefore, it has been classified as a Variant of Uncertain Significance.

Ambry Genetics
Classification: Uncertain significance for Hereditary cancer-predisposing syndrome. Last evaluated: 2024-03-09. Review status: criteria provided, single submitter. Criteria: Ambry Variant Classification Scheme 2023. Collection method: clinical testing. Allele origin: germline.
Comment: The p.G1216D variant (also known as c.3647G>A), located in coding exon 30 of the POLE gene, results from a G to A substitution at nucleotide position 3647. The glycine at codon 1216 is replaced by aspartic acid, an amino acid with similar properties. This amino acid position is conserved. In addition, the in silico prediction for this alteration is inconclusive. Based on the available evidence, the clinical significance of this alteration remains unclear.